The following is an entry in ClinVar:

ClinVar aggregate classification (germline): Pathogenic. Review status: criteria provided, multiple submitters, no conflicts (2 of 4 stars). 7 submissions from 7 submitters: Pathogenic (4). 3 of the submissions do not count toward it. Last evaluated 2025-04-09.

Conditions:
VDR-related disorder. Also called: VDR-related condition.
Vitamin D-dependent rickets type II with alopecia (VDDR2A). Also called: GENERALIZED RESISTANCE TO 1,25-DIHYDROXYVITAMIN D; HYPOCALCEMIC VITAMIN D-RESISTANT RICKETS; VITAMIN D-DEPENDENT RICKETS, TYPE 2A, WITH OR WITHOUT ALOPECIA; VITAMIN D-RESISTANT RICKETS WITH END-ORGAN UNRESPONSIVENESS TO 1,25-DIHYDROXYCHOLECALCIFEROL; Vitamin D-dependent rickets, type 2A; PDDR IIA. Identifiers: Orphanet 93160, MedGen C0342646, MONDO:0010186, OMIM 277440.

Allele frequency attached by ClinVar (database versions not stated): gnomAD exomes below 0.00001; TOPMed below 0.00001.
gnomAD v4.1: 2 of 1,613,998 alleles (0.00012%); highest among the groups gnomAD compares: Middle Eastern, 0.017%; no homozygotes.

Submissions (7):

3billion
Classification: Pathogenic for Vitamin D-dependent rickets type II with alopecia. Last evaluated: 2025-04-09. Review status: criteria provided, single submitter. Criteria: ACMG Guidelines, 2015. Collection method: clinical testing. Allele origin: germline. Affected: yes.
Comment: The variant is observed at an extremely low frequency in the gnomAD v4.1.0 dataset (total allele frequency: <0.001%). Predicted Consequence/Location:Stop-gained (nonsense): predicted to result in a loss or disruption of normal protein function through nonsense-mediated decay (NMD) or protein truncation. Multiple pathogenic variants are reported downstream of the variant. The variant has been reported at least twice as pathogenic without evidence for the classification (ClinVar ID: VCV000007747 / PMID: 2557627). Therefore, this variant is classified as Pathogenic according to the recommendation of ACMG/AMP guideline.

Genomic Medicine Center of Excellence, King Faisal Specialist Hospital and Research Centre
Classification: Pathogenic for Vitamin D-dependent rickets type II with alopecia. Last evaluated: 2024-09-22. Review status: criteria provided, single submitter. Criteria: ACMG Guidelines, 2015. Collection method: clinical testing. Allele origin: germline.

Labcorp Genetics (formerly Invitae), Labcorp
Classification: Pathogenic. Last evaluated: 2023-08-17. Review status: criteria provided, single submitter. Criteria: Invitae Variant Classification Sherloc (09022015). Collection method: clinical testing. Allele origin: germline.
Comment: ClinVar contains an entry for this variant (Variation ID: 7747). For these reasons, this variant has been classified as Pathogenic. This premature translational stop signal has been observed in individual(s) with vitamin D-resistant rickets (PMID: 29949513). This variant is present in population databases (rs121909792, gnomAD 0.0009%). This sequence change creates a premature translational stop signal (p.Tyr295*) in the VDR gene. It is expected to result in an absent or disrupted protein product. Loss-of-function variants in VDR are known to be pathogenic (PMID: 10204116, 24246681).

Blueprint Genetics
Classification: Pathogenic for VDR-related disorders. Last evaluated: 2023-04-06. Review status: criteria provided, single submitter. Criteria: ACMG Guidelines, 2015. Collection method: clinical testing. Allele origin: germline. Affected: yes. Observed: 1 variant allele.

Biochemical Molecular Genetic Laboratory, King Abdulaziz Medical City
Classification: Pathogenic for Vitamin D-dependent rickets type II with alopecia. Last evaluated: 2020-08-07. Review status: no assertion criteria provided. Collection method: clinical testing. Allele origin: germline. Affected: yes. Not counted in ClinVar's aggregate classification.

OMIM
Classification: Pathogenic for VITAMIN D-DEPENDENT RICKETS, TYPE 2A. Last evaluated: 1990-12-01. Review status: no assertion criteria provided. Collection method: literature only. Allele origin: germline. Not counted in ClinVar's aggregate classification.

FAHD UNIT, Department of Genetics, King Faisal Specialist Hospital and Research Centre
Classification: Likely pathogenic for Vitamin D-dependent rickets type II with alopecia. Review status: no assertion criteria provided. Collection method: clinical testing. Allele origin: unknown. Affected: yes. Not counted in ClinVar's aggregate classification.

Literature cited by the submitters: PubMed 2557627 (cited by 3billion and OMIM); PubMed 29949513 (cited by Labcorp Genetics (formerly Invitae), Labcorp); PubMed 10204116 (cited by Labcorp Genetics (formerly Invitae), Labcorp); PubMed 24246681 (cited by Labcorp Genetics (formerly Invitae), Labcorp); PubMed 2174914 (cited by OMIM).

NM_000376.3(VDR):c.885C>A (p.Tyr295Ter)

Gene: VDR (vitamin D receptor; minus strand). Cytogenetic location: 12q13.11.
Variant type: single nucleotide variant.
Coding change: c.885C>A on transcript NM_000376.3 (MANE Select); coding-DNA position 885, C replaced by A.
Protein change: p.Tyr295Ter; replaces tyrosine 295 with a stop codon.
Molecular consequence: nonsense.
Genome position (GRCh38, 1-based): chr12:47,846,679, G>T on the plus strand (C>A on the coding strand, the complement: VDR is on the minus strand). VCF-style: chr12-47846679-G-T. GRCh37 (hg19) VCF-style: chr12-48240462-G-T.
Other names: Y292*; c.885C>A, p.Tyr295Ter (NM_001017535.2, NM_001364085.2, NM_001374661.1 and 1 more transcripts); c.1035C>A, p.Tyr345Ter (NM_001017536.2); short protein forms Y295*, Y345*.
Identifiers: ClinVar variation 7747 (VCV000007747.10), dbSNP rs121909792, ClinGen allele CA119022.